The following is an entry in ClinVar:

NM_181078.3(IL21R):c.453G>A (p.Lys151=)

Gene: IL21R (interleukin 21 receptor; plus strand). Cytogenetic location: 16p12.1.
Variant type: single nucleotide variant.
Coding change: c.453G>A on transcript NM_181078.3 (MANE Select); coding-DNA position 453, G replaced by A.
Protein change: p.Lys151=; no amino-acid change (lysine 151 retained).
Molecular consequence: synonymous variant.
Genome position (GRCh38, 1-based): chr16:27,443,062, G>A. VCF-style: chr16-27443062-G-A. GRCh37 (hg19) VCF-style: chr16-27454383-G-A.
Other names: c.453G>A, p.Lys151= (NM_021798.4); c.519G>A, p.Lys173= (NM_181079.5).
Identifiers: ClinVar variation 540990 (VCV000540990.1), dbSNP rs1555498308, ClinGen allele CA494247193.

ClinVar aggregate classification (germline): Uncertain significance (1 of 4 stars; one submission).

Conditions:
Cryptosporidiosis-chronic cholangitis-liver disease syndrome. Also called: Immunodeficiency type 56; IL21R immunodeficiency. Identifiers: Orphanet 357329, MedGen C3554687, MONDO:0014082, OMIM 615207.

Allele frequency attached by ClinVar (database versions not stated): TOPMed below 0.00001; gnomAD 0.00001; gnomAD exomes 0.00001.

Submission:

Labcorp Genetics (formerly Invitae), Labcorp
Classification: Uncertain significance for Cryptosporidiosis-chronic cholangitis-liver disease syndrome. Last evaluated: 2017-11-02. Review status: criteria provided, single submitter. Criteria: Invitae Variant Classification Sherloc (09022015). Collection method: clinical testing. Allele origin: germline.
Comment: This sequence change affects codon 151 of the IL21R mRNA. It is a 'silent' change, meaning that it does not change the encoded amino acid sequence of the IL21R protein. This variant is not present in population databases (ExAC no frequency). This variant has not been reported in the literature in individuals with IL21R-related disease. Algorithms developed to predict the effect of sequence changes on RNA splicing suggest that this variant may create or strengthen a splice site, but this prediction has not been confirmed by published transcriptional studies. In summary, the available evidence is currently insufficient to determine the role of this variant in disease. Therefore, it has been classified as a Variant of Uncertain Significance.